The following is an entry in ClinVar:

NM_001267550.2(TTN):c.59548_59561del (p.Glu19850fs)

Genes: TTN (titin; minus strand), TTN-AS1 (TTN antisense RNA 1; plus strand), LOC126806424 (CDK7 strongly-dependent group 2 enhancer GRCh37_chr2:179456337-179457536; plus strand). Cytogenetic location: 2q31.2.
Variant type: Deletion.
Coding change: c.59548_59561del on transcript NM_001267550.2 (MANE Select); coding-DNA positions 59548 to 59561, 14 bases deleted (GAAGATGGTGGAAT).
Protein change: p.Glu19850fs; shifts the reading frame from glutamic acid 19850.
Molecular consequence: frameshift variant.
Genome position (GRCh38, 1-based): chr2:178,592,444-178,592,457, ATTCCACCATCTTC deleted on the plus strand (GAAGATGGTGGAAT on the coding strand, the reverse complement: TTN is on the minus strand); deleting any 14 consecutive bases within chr2:178,592,444-178,592,459 gives the same sequence; the c. name uses the placement nearest the transcript's 3' end. VCF-style (leftmost placement, unchanged base first): chr2-178592443-AATTCCACCATCTTC-A. GRCh37 (hg19) VCF-style: chr2-179457170-AATTCCACCATCTTC-A.
Other names: c.32353_32366del14 (NM_003319.4); c.54625_54638del, p.Glu18209fs (NM_001256850.1); c.32353_32366del, p.Glu10785fs (NM_003319.4); c.51844_51857del, p.Glu17282fs (NM_133378.4); c.32728_32741del, p.Glu10910fs (NM_133432.3); c.32929_32942del, p.Glu10977fs (NM_133437.4); short protein forms E10785fs, E10910fs, E10977fs, E17282fs, E18209fs, E19850fs.
Identifiers: ClinVar variation 3756770 (VCV003756770.3).

ClinVar aggregate classification (germline): Likely pathogenic. Review status: criteria provided, multiple submitters, no conflicts (2 of 4 stars). 2 submissions from 2 submitters: Likely pathogenic (2). Last evaluated 2025-03-21.

Conditions:
Cardiovascular phenotype. Identifiers: MedGen CN230736.
Dilated cardiomyopathy 1G (CMD1G). Identifiers: Orphanet 154, MedGen C1858763, MONDO:0011400, OMIM 604145.
Autosomal recessive limb-girdle muscular dystrophy type 2J (LGMDR10). Also called: Limb-girdle muscular dystrophy, type 2J; MUSCULAR DYSTROPHY, LIMB-GIRDLE, AUTOSOMAL RECESSIVE 10. Identifiers: Orphanet 140922, MedGen C1837342, MONDO:0012127, OMIM 608807.

Submissions (2):

Ambry Genetics
Classification: Likely pathogenic for Cardiovascular phenotype. Last evaluated: 2025-03-21. Review status: criteria provided, single submitter. Criteria: Ambry Variant Classification Scheme 2023. Collection method: clinical testing. Allele origin: germline.
Comment: The c.32353_32366del14 variant, located in coding exon 128 of the TTN gene, results from a deletion of 14 nucleotides at nucleotide positions 32353 to 32366, causing a translational frameshift with a predicted alternate stop codon (p.E10785Lfs*23). This exon is located in the A-band region of the N2-B isoform of the titin protein and is constitutively expressed in TTN transcripts (percent spliced in or PSI 100%). This variant is expected to result in loss of function by premature protein truncation or nonsense-mediated mRNA decay. While truncating variants in TTN are present in 1-3% of the general population, truncating variants in the A-band are the most common cause of dilated cardiomyopathy (Herman DS et al. N. Engl. J. Med., 2012 Feb;366:619-28; Roberts AM et al. Sci Transl Med, 2015 Jan;7:270ra6). TTN truncating variants encoded in constitutive exons (PSI >90%) have been found to be significantly associated with DCM regardless of their position in titin (Schafer S et al. Nat. Genet., 2017 01;49:46-53; Akhtar MM et al. Circ Heart Fail, 2020 Oct;13:e006832; Massier M et al. Clin Genet, 2025 Jan). This variant is considered to be rare based on population cohorts in the Genome Aggregation Database (gnomAD). Based on the majority of available evidence to date, this variant is likely to be pathogenic.

Labcorp Genetics (formerly Invitae), Labcorp
Classification: Likely pathogenic for Dilated cardiomyopathy 1G; Autosomal recessive limb-girdle muscular dystrophy type 2J. Last evaluated: 2024-06-11. Review status: criteria provided, single submitter. Criteria: Invitae Variant Classification Sherloc (09022015). Collection method: clinical testing. Allele origin: germline.
Comment: This sequence change creates a premature translational stop signal (p.Glu19850Leufs*23) in the TTN gene. While this is not anticipated to result in nonsense mediated decay, it is expected to create a truncated TTN protein. This variant is not present in population databases (gnomAD no frequency). This variant has not been reported in the literature in individuals affected with TTN-related conditions. This variant is located in the A band of TTN (PMID: 25589632). Truncating variants in this region are significantly overrepresented in patients affected with dilated cardiomyopathy (PMID: 25589632). Truncating variants in this region have also been reported in individuals affected with autosomal recessive centronuclear myopathy (PMID: 23975875). In summary, the currently available evidence indicates that the variant is pathogenic, but additional data are needed to prove that conclusively. Therefore, this variant has been classified as Likely Pathogenic.

Literature cited by the submitters: PubMed 25589632 (cited by Labcorp Genetics (formerly Invitae), Labcorp); PubMed 23975875 (cited by Labcorp Genetics (formerly Invitae), Labcorp).